The following is an entry in ClinVar:

ClinVar aggregate classification (germline): Uncertain significance (1 of 4 stars; one submission).

Submission:

GeneDx
Classification: Uncertain significance. Last evaluated: 2024-04-23. Review status: criteria provided, single submitter. Criteria: GeneDx Variant Classification Process June 2021. Collection method: clinical testing. Allele origin: germline. Affected: yes.
Comment: Not observed at significant frequency in large population cohorts (gnomAD); In silico analysis supports that this missense variant has a deleterious effect on protein structure/function; Has not been previously published as pathogenic or benign to our knowledge

NM_001366145.2(TRPM3):c.1561C>G (p.Leu521Val)

Gene: TRPM3 (transient receptor potential cation channel subfamily M member 3; minus strand). Cytogenetic location: 9q21.12.
Variant type: single nucleotide variant.
Coding change: c.1561C>G on transcript NM_001366145.2 (MANE Select); coding-DNA position 1561, C replaced by G.
Protein change: p.Leu521Val; replaces leucine 521 with valine.
Molecular consequence: missense variant.
Genome position (GRCh38, 1-based): chr9:70,639,080, G>C on the plus strand (C>G on the coding strand, the complement: TRPM3 is on the minus strand). VCF-style: chr9-70639080-G-C. GRCh37 (hg19) VCF-style: chr9-73253996-G-C.
Other names: c.1561C>G, p.Leu521Val (NM_001007471.4, NM_001366146.2, NM_001366149.2 and 2 more transcripts); c.1567C>G, p.Leu523Val (NM_001366141.2, NM_001366142.2, NM_001366143.2); c.1636C>G, p.Leu546Val (NM_001366147.2, NM_001366148.2, NM_001366152.2); c.1102C>G, p.Leu368Val (NM_001366154.2, NM_020952.6, NM_024971.7 and 2 more transcripts); c.1177C>G, p.Leu393Val (NM_206946.5, NM_206947.5); short protein forms L368V, L393V, L521V, L523V, L546V.
Identifiers: ClinVar variation 3372548 (VCV003372548.1).